The following is an entry in ClinVar:

ClinVar aggregate classification (germline): Uncertain significance. Review status: criteria provided, multiple submitters, no conflicts (2 of 4 stars). 4 submissions from 4 submitters: Uncertain significance (4). Last evaluated 2025-11-12.

Conditions:
Cardiovascular phenotype. Identifiers: MedGen CN230736.
Brugada syndrome 8 (BRGDA8). Identifiers: Orphanet 130, MedGen C2751083, MONDO:0013148, OMIM 613123.

Allele frequency attached by ClinVar (database versions not stated): gnomAD exomes below 0.00001 and 0.00001; gnomAD 0.00003 and 0.00004; TOPMed 0.00003; ESP Exome Variant Server 0.00008.
gnomAD v4.1: 6 of 1,597,138 alleles (0.00038%); highest among the groups gnomAD compares: African/African-American, 0.008%; no homozygotes.

Submissions (4):

Labcorp Genetics (formerly Invitae), Labcorp
Classification: Uncertain significance for Brugada syndrome 8. Last evaluated: 2025-11-12. Review status: criteria provided, single submitter. Criteria: Invitae Variant Classification Sherloc (09022015). Collection method: clinical testing. Allele origin: germline.
Comment: This sequence change replaces leucine, which is neutral and non-polar, with glutamine, which is neutral and polar, at codon 1199 of the HCN4 protein (p.Leu1199Gln). This variant is present in population databases (rs146751122, gnomAD 0.008%). This variant has not been reported in the literature in individuals affected with HCN4-related conditions. ClinVar contains an entry for this variant (Variation ID: 502460). Invitae Evidence Modeling of protein sequence and biophysical properties (such as structural, functional, and spatial information, amino acid conservation, physicochemical variation, residue mobility, and thermodynamic stability) has been performed for this missense variant. However, the output from this modeling did not meet the statistical confidence thresholds required to predict the impact of this variant on HCN4 protein function. In summary, the available evidence is currently insufficient to determine the role of this variant in disease. Therefore, it has been classified as a Variant of Uncertain Significance.

GeneDx
Classification: Uncertain significance. Last evaluated: 2025-09-24. Review status: criteria provided, single submitter. Criteria: GeneDx Variant Classification Process June 2021. Collection method: clinical testing. Allele origin: germline. Affected: yes.
Comment: Has not been previously published as pathogenic or benign to our knowledge; Not observed at significant frequency in large population cohorts (gnomAD); In silico analysis suggests that this missense variant does not alter protein structure/function

Ambry Genetics
Classification: Uncertain significance for Cardiovascular phenotype. Last evaluated: 2021-04-08. Review status: criteria provided, single submitter. Criteria: Ambry Variant Classification Scheme 2023. Collection method: clinical testing. Allele origin: germline.
Comment: The p.L1199Q variant (also known as c.3596T>A), located in coding exon 8 of the HCN4 gene, results from a T to A substitution at nucleotide position 3596. The leucine at codon 1199 is replaced by glutamine, an amino acid with dissimilar properties. This amino acid position is highly conserved in available vertebrate species. In addition, the in silico prediction for this alteration is inconclusive. Since supporting evidence is limited at this time, the clinical significance of this alteration remains unclear.

Eurofins Ntd Llc (ga)
Classification: Uncertain significance. Last evaluated: 2017-06-13. Review status: criteria provided, single submitter. Criteria: EGL Classification Definitions 2015. Collection method: clinical testing. Allele origin: germline. Observed: 1 variant allele, 1 heterozygote.

NM_005477.3(HCN4):c.3596T>A (p.Leu1199Gln)

Gene: HCN4 (hyperpolarization activated cyclic nucleotide gated potassium channel 4; minus strand). Cytogenetic location: 15q24.1.
Variant type: single nucleotide variant.
Coding change: c.3596T>A on transcript NM_005477.3 (MANE Select); coding-DNA position 3596, T replaced by A.
Protein change: p.Leu1199Gln; replaces leucine 1199 with glutamine.
Molecular consequence: missense variant.
Genome position (GRCh38, 1-based): chr15:73,322,497, A>T on the plus strand (T>A on the coding strand, the complement: HCN4 is on the minus strand). VCF-style: chr15-73322497-A-T. GRCh37 (hg19) VCF-style: chr15-73614838-A-T.
Other names: short protein forms L1199Q.
Identifiers: ClinVar variation 502460 (VCV000502460.16), dbSNP rs146751122, ClinGen allele CA272662970.
Genomic context (GRCh38, chr15:73,322,497, plus strand): 5'-GAAGGGAGAGAAAAGAAGAAAGAAGAGGGAAGGAAGGGCCCAGCTCATAGATTGGATGGC[A>T]GTTTGGAGCGCACTGGCTCAGGCCTGGCCCCAGGTTCCCTCTGGGGTCCAGCAGTCAGAG-3'
Protein context (NP_005468.1, residues 1189-1203): GARPEPVRSK[Leu1199Gln]PSNL